The following is an entry in ClinVar:

ClinVar aggregate classification (germline): Uncertain significance (1 of 4 stars; one submission).

Conditions:
Neurofibromatosis, type 1 (NF1). Also called: NEUROFIBROMATOSIS, TYPE I, SOMATIC; VON RECKLINGHAUSEN DISEASE; Neurofibromatosis, type I; Peripheral type neurofibromatosis. Identifiers: Orphanet 636, MedGen C0027831, MONDO:0018975, OMIM 162200. Disease mechanism: loss of function.

Submission:

Labcorp Genetics (formerly Invitae), Labcorp
Classification: Uncertain significance for Neurofibromatosis, type 1. Last evaluated: 2018-08-18. Review status: criteria provided, single submitter. Criteria: Invitae Variant Classification Sherloc (09022015). Collection method: clinical testing. Allele origin: germline.
Comment: This sequence change replaces leucine with glutamine at codon 972 of the NF1 protein (p.Leu972Gln). The leucine residue is moderately conserved and there is a moderate physicochemical difference between leucine and glutamine. This variant is not present in population databases (ExAC no frequency). This variant has not been reported in the literature in individuals with NF1-related disease. Algorithms developed to predict the effect of missense changes on protein structure and function are either unavailable or do not agree on the potential impact of this missense change (SIFT: "Deleterious"; PolyPhen-2: "Probably Damaging"; Align-GVGD: "Class C0"). In summary, the available evidence is currently insufficient to determine the role of this variant in disease. Therefore, it has been classified as a Variant of Uncertain Significance.

NM_001042492.3(NF1):c.2915T>A (p.Leu972Gln)

Gene: NF1 (neurofibromin 1; plus strand). Cytogenetic location: 17q11.2.
Variant type: single nucleotide variant.
Coding change: c.2915T>A on transcript NM_001042492.3 (MANE Select); coding-DNA position 2915, T replaced by A.
Protein change: p.Leu972Gln; replaces leucine 972 with glutamine.
Molecular consequence: missense variant.
Genome position (GRCh38, 1-based): chr17:31,229,899, T>A. VCF-style: chr17-31229899-T-A. GRCh37 (hg19) VCF-style: chr17-29556917-T-A.
Other names: c.2915T>A, p.Leu972Gln (NM_000267.4); short protein forms L972Q.
Identifiers: ClinVar variation 640479 (VCV000640479.5), dbSNP rs1597716348, ClinGen allele CA398986181.